The following is an entry in ClinVar:

NM_000295.5(SERPINA1):c.999T>C (p.Thr333=)

Gene: SERPINA1 (serpin family A member 1; minus strand). Cytogenetic location: 14q32.13.
Variant type: single nucleotide variant.
Coding change: c.999T>C on transcript NM_000295.5 (MANE Select); coding-DNA position 999, T replaced by C.
Protein change: p.Thr333=; no amino-acid change (threonine 333 retained).
Molecular consequence: synonymous variant.
Genome position (GRCh38, 1-based): chr14:94,379,530, A>G on the plus strand (T>C on the coding strand, the complement: SERPINA1 is on the minus strand). VCF-style: chr14-94379530-A-G. GRCh37 (hg19) VCF-style: chr14-94845867-A-G.
Other names: c.999T>C, p.Thr333= (NM_001002235.3, NM_001002236.3, NM_001127700.2 and 7 more transcripts); c.999T>C (NM_000295.4).
Identifiers: ClinVar variation 1537873 (VCV001537873.10), dbSNP rs181491831, ClinGen allele CA265860980.

ClinVar aggregate classification (germline): Likely benign. Review status: criteria provided, single submitter (1 of 4 stars). 2 submissions from 2 submitters: Likely benign (1). 1 of the submissions does not count toward it. Last evaluated 2021-11-14.

Conditions:
SERPINA1-related disorder. Also called: SERPINA1-related condition; SerpinA1-related disorders.
Alpha-1-antitrypsin deficiency (A1ATD). Also called: AAT deficiency; A1AT deficiency; Alpha1-Antitrypsin Deficiency. Identifiers: Orphanet 60, MedGen C0221757, MONDO:0013282, OMIM 613490.

Allele frequency attached by ClinVar (database versions not stated): gnomAD exomes below 0.00001.

Submissions (2):

Labcorp Genetics (formerly Invitae), Labcorp
Classification: Likely benign for Alpha-1-antitrypsin deficiency. Last evaluated: 2021-11-14. Review status: criteria provided, single submitter. Criteria: Invitae Variant Classification Sherloc (09022015). Collection method: clinical testing. Allele origin: germline.

PreventionGenetics, part of Exact Sciences
Classification: Likely benign for SERPINA1-related condition. Last evaluated: 2021-04-07. Review status: no assertion criteria provided. Collection method: clinical testing. Allele origin: germline. Not counted in ClinVar's aggregate classification.
Comment: This variant is classified as likely benign based on ACMG/AMP sequence variant interpretation guidelines (Richards et al. 2015 PMID: 25741868, with internal and published modifications).